The following is an entry in ClinVar:

NM_001887.4(CRYBB1):c.74G>A (p.Gly25Glu)

Genes: CRYBA4 (crystallin beta A4; plus strand), CRYBB1 (crystallin beta B1; minus strand). Cytogenetic location: 22q12.1.
Variant type: single nucleotide variant.
Coding change: c.74G>A on transcript NM_001887.4 (MANE Select); coding-DNA position 74, G replaced by A.
Protein change: p.Gly25Glu; replaces glycine 25 with glutamic acid.
Molecular consequence: missense variant.
Genome position (GRCh38, 1-based): chr22:26,616,246, C>T on the plus strand (G>A on the coding strand, the complement: CRYBB1 is on the minus strand). VCF-style: chr22-26616246-C-T. GRCh37 (hg19) VCF-style: chr22-27012210-C-T.
Other names: short protein forms G25E.
Identifiers: ClinVar variation 902688 (VCV000902688.11), dbSNP rs77431464, ClinGen allele CA10165595.

ClinVar aggregate classification (germline): Likely benign. Review status: criteria provided, multiple submitters, no conflicts (2 of 4 stars). 4 submissions from 4 submitters: Likely benign (3). 1 of the submissions does not count toward it. Last evaluated 2025-05-27.

Conditions:
CRYBB1-related disorder. Also called: CRYBB1-related condition.
Cataract 17 multiple types. Also called: CATARACT 17, PULVERULENT; CATARACT 17, CONGENITAL NUCLEAR, AUTOSOMAL RECESSIVE. Identifiers: Orphanet 91492, MedGen C3888124, MONDO:0012688, OMIM 611544.

Allele frequency attached by ClinVar (database versions not stated): gnomAD 0.00169 and 0.00156; TOPMed 0.00170; ESP Exome Variant Server 0.00215; gnomAD exomes 0.00016 and 0.00043; ExAC 0.00047; 1000 Genomes Project 0.00080; 1000 Genomes Project 30x 0.00109.
gnomAD v4.1: 480 of 1,614,114 alleles (0.03%); highest among the groups gnomAD compares: African/African-American, 0.57%; 2 homozygotes.

Submissions (4):

Labcorp Genetics (formerly Invitae), Labcorp
Classification: Likely benign for Cataract 17 multiple types. Last evaluated: 2025-05-27. Review status: criteria provided, single submitter. Criteria: Invitae Variant Classification Sherloc (09022015). Collection method: clinical testing. Allele origin: germline.

Fulgent Genetics
Classification: Likely benign for Cataract 17 multiple types. Last evaluated: 2022-05-20. Review status: criteria provided, single submitter. Criteria: ACMG Guidelines, 2015. Collection method: clinical testing. Allele origin: unknown.

Illumina Laboratory Services, Illumina
Classification: Likely benign for Cataract 17 multiple types. Last evaluated: 2017-04-28. Review status: criteria provided, single submitter. Criteria: ICSL Variant Classification Criteria 13 December 2019. Collection method: clinical testing. Allele origin: germline.
Comment: This variant was observed as part of a predisposition screen in an ostensibly healthy population. A literature search was performed for the gene, cDNA change, and amino acid change (where applicable). Publications were found based on this search. The evidence from the literature, in combination with allele frequency data from public databases where available, was sufficient to determine this variant is unlikely to cause disease. Therefore, this variant is classified as likely benign.

PreventionGenetics, part of Exact Sciences
Classification: Likely benign for CRYBB1-related condition. Last evaluated: 2023-12-21. Review status: no assertion criteria provided. Collection method: clinical testing. Allele origin: germline. Not counted in ClinVar's aggregate classification.
Comment: This variant is classified as likely benign based on ACMG/AMP sequence variant interpretation guidelines (Richards et al. 2015 PMID: 25741868, with internal and published modifications).

Literature cited by the submitters: PubMed 20565250 (cited by Illumina Laboratory Services, Illumina).